The following is an entry in ClinVar:

NM_000384.3(APOB):c.10483T>C (p.Ser3495Pro)

Gene: APOB (apolipoprotein B; minus strand). Cytogenetic location: 2p24.1.
Variant type: single nucleotide variant.
Coding change: c.10483T>C on transcript NM_000384.3 (MANE Select); coding-DNA position 10483, T replaced by C.
Protein change: p.Ser3495Pro; replaces serine 3495 with proline.
Molecular consequence: missense variant.
Genome position (GRCh38, 1-based): chr2:21,006,385, A>G on the plus strand (T>C on the coding strand, the complement: APOB is on the minus strand). VCF-style: chr2-21006385-A-G. GRCh37 (hg19) VCF-style: chr2-21229257-A-G.
Other names: short protein forms S3495P.
Identifiers: ClinVar variation 1775916 (VCV001775916.2), dbSNP rs535977033, ClinGen allele CA345986433.

ClinVar aggregate classification (germline): Uncertain significance (1 of 4 stars; one submission).

Conditions:
Cardiovascular phenotype. Identifiers: MedGen CN230736.

Submission:

Ambry Genetics
Classification: Uncertain significance for Cardiovascular phenotype. Last evaluated: 2022-09-16. Review status: criteria provided, single submitter. Criteria: Ambry Variant Classification Scheme 2023. Collection method: clinical testing. Allele origin: germline.
Comment: The p.S3495P variant (also known as c.10483T>C), located in coding exon 26 of the APOB gene, results from a T to C substitution at nucleotide position 10483. The serine at codon 3495 is replaced by proline, an amino acid with similar properties. This amino acid position is conserved. In addition, this alteration is predicted to be tolerated by in silico analysis. Since supporting evidence is limited at this time, the clinical significance of this alteration remains unclear.